The following is an entry in ClinVar:

NM_015215.4(CAMTA1):c.4780C>T (p.Arg1594Ter)

Gene: CAMTA1 (calmodulin binding transcription activator 1; plus strand). Cytogenetic location: 1p36.23.
Variant type: single nucleotide variant.
Coding change: c.4780C>T on transcript NM_015215.4 (MANE Select); coding-DNA position 4780, C replaced by T.
Protein change: p.Arg1594Ter; replaces arginine 1594 with a stop codon.
Molecular consequence: nonsense.
Genome position (GRCh38, 1-based): chr1:7,751,289, C>T. VCF-style: chr1-7751289-C-T. GRCh37 (hg19) VCF-style: chr1-7811349-C-T.
Other names: c.4690C>T, p.Arg1564Ter (NM_001349608.2); c.4462C>T, p.Arg1488Ter (NM_001349609.2, NM_001349610.2); c.4372C>T, p.Arg1458Ter (NM_001349612.2); c.1909C>T, p.Arg637Ter (NM_001349613.1); c.1873C>T, p.Arg625Ter (NM_001349614.1, NM_001349615.2, NM_001349616.2); c.1852C>T, p.Arg618Ter (NM_001349617.1, NM_001349618.2); c.1534C>T, p.Arg512Ter (NM_001349619.2, NM_001349620.1, NM_001349621.1 and 1 more transcripts); c.1513C>T, p.Arg505Ter (NM_001349623.1, NM_001349624.3, NM_001349625.2 and 1 more transcripts); short protein forms R1594*, R512*, R625*, R1488*, R505*, R1564*, R637*, R1458*.
Identifiers: ClinVar variation 432176 (VCV000432176.7), dbSNP rs1553280067, ClinGen allele CA338144221.

ClinVar aggregate classification (germline): Pathogenic/Likely pathogenic. Review status: criteria provided, multiple submitters, no conflicts (2 of 4 stars). 3 submissions from 3 submitters: Pathogenic (2); Likely pathogenic (1). Last evaluated 2025-03-12.

Conditions:
Cerebellar dysfunction with variable cognitive and behavioral abnormalities (CECBA). Also called: Nonprogressive cerebellar atxia with intellectual disability. Identifiers: Orphanet 314647, MedGen C3553661, MONDO:0013886, OMIM 614756.

Submissions (3):

Variantyx, Inc.
Classification: Pathogenic for Cerebellar dysfunction with variable cognitive and behavioral abnormalities. Last evaluated: 2025-03-12. Review status: criteria provided, single submitter. Criteria: Variantyx Assertion Criteria 2022. Collection method: clinical testing. Allele origin: germline.
Comment: This is a nonsense variant in the CAMTA1 gene (OMIM: 611501). Pathogenic variants in this gene have been associated with autosomal dominant cerebellar dysfunction with variable cognitive and behavioral abnormalities. This variant introduces a premature termination codon in exon 20 out of 23. It is expected to result in loss of function, which is a known disease mechanism for CAMTA1 in this disorder (PMID: 22693284) (PVS1). This variant has been reported in at least 1 affected individual (PMID: 33131045) (PS4_Supporting). This variant is absent from control populations (PM2_Supporting). Inheritance from an unaffected or mildly affected parent has been reported, consistent with incomplete penetrance and variable expressivity for autosomal dominant cerebellar dysfunction with variable cognitive and behavioral abnormalities (PMID: 32157189, 33131045). Based on the current evidence, this variant is classified as pathogenic for autosomal dominant cerebellar dysfunction with variable cognitive and behavioral abnormalities.

GeneDx
Classification: Pathogenic. Last evaluated: 2023-09-27. Review status: criteria provided, single submitter. Criteria: GeneDx Variant Classification Process June 2021. Collection method: clinical testing. Allele origin: germline. Affected: yes.
Comment: Identified in a patient with CAMTA1-related features in published literature (PMID: 33131045); Nonsense variant predicted to result in protein truncation or nonsense mediated decay in a gene for which loss-of-function is a known mechanism of disease; Not observed in large population cohorts (gnomAD); This variant is associated with the following publications: (PMID: 33131045)

Fulgent Genetics
Classification: Likely pathogenic for Cerebellar dysfunction with variable cognitive and behavioral abnormalities. Last evaluated: 2021-08-25. Review status: criteria provided, single submitter. Criteria: ACMG Guidelines, 2015. Collection method: clinical testing. Allele origin: unknown.